The following is an entry in ClinVar:

ClinVar aggregate classification (germline): Likely pathogenic (1 of 4 stars; one submission).

Conditions:
Dilated cardiomyopathy 1G (CMD1G). Identifiers: Orphanet 154, MedGen C1858763, MONDO:0011400, OMIM 604145.
Autosomal recessive limb-girdle muscular dystrophy type 2J (LGMDR10). Also called: Limb-girdle muscular dystrophy, type 2J; MUSCULAR DYSTROPHY, LIMB-GIRDLE, AUTOSOMAL RECESSIVE 10. Identifiers: Orphanet 140922, MedGen C1837342, MONDO:0012127, OMIM 608807.

Submission:

Labcorp Genetics (formerly Invitae), Labcorp
Classification: Likely pathogenic for Dilated cardiomyopathy 1G; Autosomal recessive limb-girdle muscular dystrophy type 2J. Last evaluated: 2024-10-18. Review status: criteria provided, single submitter. Criteria: Invitae Variant Classification Sherloc (09022015). Collection method: clinical testing. Allele origin: germline.
Comment: This sequence change affects a donor splice site in intron 17 of the TTN gene. It is expected to disrupt RNA splicing and likely results in a truncated or disrupted TTN protein. This variant is not present in population databases (gnomAD no frequency). This variant has not been reported in the literature in individuals affected with TTN-related conditions. ClinVar contains an entry for this variant (Variation ID: 1358462). Algorithms developed to predict the effect of sequence changes on RNA splicing suggest that this variant may disrupt the consensus splice site. This variant is located in the Z band of TTN (PMID: 25589632). Truncating variants in this region have been reported in individuals affected with autosomal recessive centronuclear myopathy (PMID: 33449170, internal data). Truncating variants in this region have also been identified in individuals affected with autosomal dominant dilated cardiomyopathy and/or cardio-related conditions (PMID: 27869827, 32964742, internal data). In summary, the currently available evidence indicates that the variant is pathogenic, but additional data are needed to prove that conclusively. Therefore, this variant has been classified as Likely Pathogenic.

Literature cited by the submitters: PubMed 25589632; PubMed 33449170; PubMed 27869827; PubMed 32964742.

NM_001267550.2(TTN):c.2841+1G>C

Gene: TTN (titin; minus strand). Cytogenetic location: 2q31.2.
Variant type: single nucleotide variant.
Coding change: c.2841+1G>C on transcript NM_001267550.2 (MANE Select); the canonical splice donor site of the intron after coding-DNA position 2841, G replaced by C.
Molecular consequence: splice donor variant.
Genome position (GRCh38, 1-based): chr2:178,783,719, C>G on the plus strand (G>C on the coding strand, the complement: TTN is on the minus strand). VCF-style: chr2-178783719-C-G. GRCh37 (hg19) VCF-style: chr2-179648446-C-G.
Other names: c.2703+1G>C (NM_003319.4, NM_133437.4, NM_133432.3); c.2841+1G>C (NM_133378.4, NM_001256850.1, NM_133379.5).
Identifiers: ClinVar variation 1358462 (VCV001358462.8), dbSNP rs2154350493, ClinGen allele CA349494159.